The following is an entry in ClinVar:

ClinVar aggregate classification (germline): Uncertain significance (1 of 4 stars; one submission).

Conditions:
Hypertrophic cardiomyopathy. Also called: HYPERTROPHIC MYOCARDIOPATHY. Identifiers: Orphanet 217569, MedGen C0007194, MeSH D002312, MONDO:0005045, HP:0001639.

Allele frequency attached by ClinVar (database versions not stated): ExAC 0.00001; gnomAD exomes 0.00001.
gnomAD v4.1: 5 of 1,613,822 alleles (0.00031%); highest among the groups gnomAD compares: Non-Finnish European, 0.00042%; no homozygotes.

Submission:

Labcorp Genetics (formerly Invitae), Labcorp
Classification: Uncertain significance for Hypertrophic cardiomyopathy. Last evaluated: 2019-02-11. Review status: criteria provided, single submitter. Criteria: Invitae Variant Classification Sherloc (09022015). Collection method: clinical testing. Allele origin: germline.
Comment: This sequence change replaces threonine with lysine at codon 680 of the MYOM1 protein (p.Thr680Lys). The threonine residue is weakly conserved and there is a moderate physicochemical difference between threonine and lysine. The frequency data for this variant in the population databases is considered unreliable, as metrics indicate poor data quality at this position in the ExAC database. This variant has not been reported in the literature in individuals with MYOM1-related conditions. Algorithms developed to predict the effect of missense changes on protein structure and function are either unavailable or do not agree on the potential impact of this missense change (SIFT: "Tolerated"; PolyPhen-2: "Possibly Damaging"; Align-GVGD: "Class C0"). In summary, the available evidence is currently insufficient to determine the role of this variant in disease. Therefore, it has been classified as a Variant of Uncertain Significance.

NM_003803.4(MYOM1):c.2039C>A (p.Thr680Lys)

Gene: MYOM1 (myomesin 1; minus strand). Cytogenetic location: 18p11.31.
Variant type: single nucleotide variant.
Coding change: c.2039C>A on transcript NM_003803.4 (MANE Select); coding-DNA position 2039, C replaced by A.
Protein change: p.Thr680Lys; replaces threonine 680 with lysine.
Molecular consequence: missense variant.
Genome position (GRCh38, 1-based): chr18:3,135,717, G>T on the plus strand (C>A on the coding strand, the complement: MYOM1 is on the minus strand). VCF-style: chr18-3135717-G-T. GRCh37 (hg19) VCF-style: chr18-3135715-G-T.
Other names: c.2039C>A, p.Thr680Lys (NM_019856.2); short protein forms T680K.
Identifiers: ClinVar variation 835450 (VCV000835450.1), dbSNP rs776286600, ClinGen allele CA8874758.